The following is an entry in ClinVar:

NM_000059.4(BRCA2):c.907T>G (p.Ser303Ala)

Gene: BRCA2 (BRCA2 DNA repair associated; plus strand). Cytogenetic location: 13q13.1.
Variant type: single nucleotide variant.
Coding change: c.907T>G on transcript NM_000059.4 (MANE Select); coding-DNA position 907, T replaced by G.
Protein change: p.Ser303Ala; replaces serine 303 with alanine.
Molecular consequence: missense variant. On other transcripts: non-coding transcript variant (1), intron variant (1).
Genome position (GRCh38, 1-based): chr13:32,332,385, T>G. VCF-style: chr13-32332385-T-G. GRCh37 (hg19) VCF-style: chr13-32906522-T-G.
Other names: c.907T>G, p.Ser303Ala (NM_001406719.1, NM_001406720.1, NM_001406721.1 and 1 more transcripts); c.424+1355T>G (NM_001406722.1); short protein forms S303A.
Identifiers: ClinVar variation 3384334 (VCV003384334.3).

ClinVar aggregate classification (germline): Uncertain significance. Review status: criteria provided, multiple submitters, no conflicts (2 of 4 stars). 2 submissions from 2 submitters: Uncertain significance (2). Last evaluated 2024-12-02.

Conditions:
Hereditary breast ovarian cancer syndrome. Also called: BRCA1- and BRCA2-Associated Hereditary Breast and Ovarian Cancer; Hereditary breast and/or ovarian cancer syndrome; Hereditary breast and ovarian cancer; Hereditary breast and ovarian cancer syndrome (HBOC); Breast and ovarian cancer; Hereditary breast and ovarian cancer syndrome. Identifiers: Orphanet 145, MedGen C0677776, MeSH D061325, MONDO:0003582. Disease mechanism: loss of function.

Submissions (2):

Labcorp Genetics (formerly Invitae), Labcorp
Classification: Uncertain significance for Hereditary breast ovarian cancer syndrome. Last evaluated: 2024-12-02. Review status: criteria provided, single submitter. Criteria: Invitae Variant Classification Sherloc (09022015). Collection method: clinical testing. Allele origin: germline.
Comment: This sequence change replaces serine, which is neutral and polar, with alanine, which is neutral and non-polar, at codon 303 of the BRCA2 protein (p.Ser303Ala). This variant is not present in population databases (gnomAD no frequency). This variant has not been reported in the literature in individuals affected with BRCA2-related conditions. Invitae Evidence Modeling of protein sequence and biophysical properties (such as structural, functional, and spatial information, amino acid conservation, physicochemical variation, residue mobility, and thermodynamic stability) indicates that this missense variant is not expected to disrupt BRCA2 protein function with a negative predictive value of 95%. In summary, the available evidence is currently insufficient to determine the role of this variant in disease. Therefore, it has been classified as a Variant of Uncertain Significance.

GeneDx
Classification: Uncertain significance. Last evaluated: 2024-06-09. Review status: criteria provided, single submitter. Criteria: GeneDx Variant Classification Process June 2021. Collection method: clinical testing. Allele origin: germline. Affected: yes.
Comment: Not observed at significant frequency in large population cohorts (gnomAD); In silico analysis indicates that this missense variant does not alter protein structure/function; Has not been previously published as pathogenic or benign to our knowledge; Also known as 1026T>G